The following is an entry in ClinVar:

ClinVar aggregate classification (germline): Conflicting classifications of pathogenicity. Review status: criteria provided, conflicting classifications (1 of 4 stars). 3 submissions from 3 submitters: Uncertain significance (2); Likely benign (1). Last evaluated 2025-08-27.

Conditions:
Ocular cystinosis. Also called: Non-Nephropathic Cystinosis; Non-Nephropathic (Ocular) Cystinosis. Identifiers: Orphanet 213, Orphanet 411641, MedGen C2931013, MONDO:0009064, OMIM 219750.
Nephropathic cystinosis (CTNS). Also called: CYSTINOSIN, DEFECT OF; LYSOSOMAL CYSTINE TRANSPORT PROTEIN, DEFECT OF; Abderhalden Lignac Kaufmann disease; Abderhalden-Kaufmann-Lignac syndrome. Identifiers: Orphanet 213, Orphanet 411629, MedGen C2931187, MONDO:0100151, OMIM 219800.
Juvenile nephropathic cystinosis. Also called: Intermediate Cystinosis; CYSTINOSIS, LATE-ONSET JUVENILE OR ADOLESCENT NEPHROPATHIC TYPE; Later-Onset (Juvenile) Cystinosis. Identifiers: Orphanet 213, Orphanet 411634, MedGen C0268626, MONDO:0009066, OMIM 219900.
Inborn genetic diseases. Identifiers: MedGen C0950123, MeSH D030342.

Allele frequency attached by ClinVar (database versions not stated): gnomAD exomes 0.00001.
gnomAD v4.1: 5 of 1,614,230 alleles (0.00031%); highest among the groups gnomAD compares: Non-Finnish European, 0.00042%; no homozygotes.

Submissions (3):

Ambry Genetics
Classification: Likely benign for Inborn genetic diseases. Last evaluated: 2025-08-27. Review status: criteria provided, single submitter. Criteria: Ambry Variant Classification Scheme 2023. Collection method: clinical testing. Allele origin: germline.

Labcorp Genetics (formerly Invitae), Labcorp
Classification: Uncertain significance for Inborn genetic diseases; Ocular cystinosis; Juvenile nephropathic cystinosis. Last evaluated: 2025-02-26. Review status: criteria provided, single submitter. Criteria: Invitae Variant Classification Sherloc (09022015). Collection method: clinical testing. Allele origin: germline.
Comment: This sequence change replaces isoleucine, which is neutral and non-polar, with valine, which is neutral and non-polar, at codon 126 of the CTNS protein (p.Ile126Val). This variant is not present in population databases (gnomAD no frequency). This variant has not been reported in the literature in individuals affected with CTNS-related conditions. ClinVar contains an entry for this variant (Variation ID: 2178328). Invitae Evidence Modeling of protein sequence and biophysical properties (such as structural, functional, and spatial information, amino acid conservation, physicochemical variation, residue mobility, and thermodynamic stability) indicates that this missense variant is not expected to disrupt CTNS protein function with a negative predictive value of 80%. In summary, the available evidence is currently insufficient to determine the role of this variant in disease. Therefore, it has been classified as a Variant of Uncertain Significance.

Fulgent Genetics
Classification: Uncertain significance for Ocular cystinosis; Nephropathic cystinosis; Juvenile nephropathic cystinosis. Last evaluated: 2024-03-13. Review status: criteria provided, single submitter. Criteria: ACMG Guidelines, 2015. Collection method: clinical testing. Allele origin: germline.

NM_004937.3(CTNS):c.376A>G (p.Ile126Val)

Genes: CTNS (cystinosin, lysosomal cystine transporter; plus strand), CTNS-AS1 (CTNS antisense RNA 1; minus strand). Cytogenetic location: 17p13.2.
Variant type: single nucleotide variant.
Coding change: c.376A>G on transcript NM_004937.3 (MANE Select); coding-DNA position 376, A replaced by G.
Protein change: p.Ile126Val; replaces isoleucine 126 with valine.
Molecular consequence: missense variant. On other transcripts: 5 prime UTR variant (4).
Genome position (GRCh38, 1-based): chr17:3,655,267, A>G. VCF-style: chr17-3655267-A-G. GRCh37 (hg19) VCF-style: chr17-3558561-A-G.
Other names: c.376A>G, p.Ile126Val (NM_001031681.3, NM_001374492.1); c.-66A>G (NM_001374493.1, NM_001374494.1, NM_001374495.1 and 1 more transcripts); c.376A>G (NM_004937.2); short protein forms I126V.
Identifiers: ClinVar variation 2178328 (VCV002178328.6), dbSNP rs2507745233, ClinGen allele CA397690668.